The following is an entry in ClinVar:

ClinVar aggregate classification (germline): Benign (1 of 4 stars; one submission).

Conditions:
Hereditary spastic paraplegia 30. Identifiers: Orphanet 101010, MedGen C5235139, MONDO:0012476.

Allele frequency attached by ClinVar (database versions not stated): gnomAD 0.02809 and 0.03018; TOPMed 0.02895; 1000 Genomes Project 0.03215; 1000 Genomes Project 30x 0.03404.

Submission:

Illumina Laboratory Services, Illumina
Classification: Benign for Spastic paraplegia 30A, autosomal dominant. Last evaluated: 2018-01-13. Review status: criteria provided, single submitter. Criteria: ICSL Variant Classification Criteria 13 December 2019. Collection method: clinical testing. Allele origin: germline.
Comment: This variant was observed in the ICSL laboratory as part of a predisposition screen in an ostensibly healthy population. It had not been previously curated by ICSL or reported in the Human Gene Mutation Database (HGMD: prior to June 1st, 2018), and was therefore a candidate for classification through an automated scoring system. Utilizing variant allele frequency, disease prevalence and penetrance estimates, and inheritance mode, an automated score was calculated to assess if this variant is too frequent to cause the disease. Based on the score and internal cut-off values, a variant classified as benign is not then subjected to further curation. The score for this variant resulted in a classification of benign for this disease.

NM_001244008.2(KIF1A):c.*1005G>A

Gene: KIF1A (kinesin family member 1A; minus strand). Cytogenetic location: 2q37.3.
Variant type: single nucleotide variant.
Coding change: c.*1005G>A on transcript NM_001244008.2 (MANE Select); 1005 bases downstream of the stop codon, G replaced by A.
Molecular consequence: 3 prime UTR variant.
Genome position (GRCh38, 1-based): chr2:240,716,359, C>T on the plus strand (G>A on the coding strand, the complement: KIF1A is on the minus strand). VCF-style: chr2-240716359-C-T. GRCh37 (hg19) VCF-style: chr2-241655776-C-T.
Other names: c.*1005G>A (NM_001379631.1, NM_001379632.1, NM_001379633.1 and 20 more transcripts).
Identifiers: ClinVar variation 335243 (VCV000335243.5), dbSNP rs58502378, ClinGen allele CA10613298.